The following is an entry in ClinVar:

NM_001080.3(ALDH5A1):c.1184del (p.Gln395fs)

Gene: ALDH5A1 (aldehyde dehydrogenase 5 family member A1; plus strand). Cytogenetic location: 6p22.3.
Variant type: Deletion.
Coding change: c.1184del on transcript NM_001080.3 (MANE Select); coding-DNA position 1184, one base deleted (A; older notation c.1184delA).
Protein change: p.Gln395fs; shifts the reading frame from glutamine 395.
Molecular consequence: frameshift variant.
Genome position (GRCh38, 1-based): chr6:24,528,007, A deleted. VCF-style (leftmost placement, unchanged base first): chr6-24528006-CA-C. GRCh37 (hg19) VCF-style: chr6-24528234-CA-C.
Other names: c.1040del, p.Gln347fs (NM_001368954.1); c.1223del, p.Gln408fs (NM_170740.1); short protein forms Q347fs, Q395fs, Q408fs.
Identifiers: ClinVar variation 3641102 (VCV003641102.2).

ClinVar aggregate classification (germline): Pathogenic (1 of 4 stars; one submission).

Conditions:
Succinate-semialdehyde dehydrogenase deficiency (SSADHD). Also called: 4-HYDROXYBUTYRIC ACIDURIA; GABA METABOLIC DEFECT; SSADH DEFICIENCY; Succinic Semialdehyde Dehydrogenase Deficiency. Identifiers: Orphanet 22, MedGen C0268631, MONDO:0010083, OMIM 271980.

Submission:

Labcorp Genetics (formerly Invitae), Labcorp
Classification: Pathogenic for Succinate-semialdehyde dehydrogenase deficiency. Last evaluated: 2024-02-15. Review status: criteria provided, single submitter. Criteria: Invitae Variant Classification Sherloc (09022015). Collection method: clinical testing. Allele origin: germline.
Comment: This sequence change creates a premature translational stop signal (p.Gln395Argfs*2) in the ALDH5A1 gene. It is expected to result in an absent or disrupted protein product. Loss-of-function variants in ALDH5A1 are known to be pathogenic (PMID: 14635103). This variant is not present in population databases (gnomAD no frequency). This variant has not been reported in the literature in individuals affected with ALDH5A1-related conditions. For these reasons, this variant has been classified as Pathogenic.

Literature cited by the submitters: PubMed 14635103.